The following is an entry in ClinVar:

ClinVar aggregate classification (germline): Uncertain significance (1 of 4 stars; one submission).

Conditions:
FHOD3-related disorder. Also called: FHOD3-related condition.

gnomAD v4.1: 1 of 1,612,518 alleles (0.000062%); highest among the groups gnomAD compares: Non-Finnish European, 0.000085%; no homozygotes.

Submission:

PreventionGenetics, part of Exact Sciences
Classification: Uncertain significance for FHOD3-related condition. Last evaluated: 2026-01-09. Review status: criteria provided, single submitter. Criteria: ACMG Guidelines, 2015. Collection method: clinical testing. Allele origin: germline.
Comment: The FHOD3 c.1111A>C variant is predicted to result in the amino acid substitution p.Lys371Gln. To our knowledge, this variant has not been reported in the literature or in a large population database (gnomAD), indicating this variant is rare. At this time, the clinical significance of this variant is uncertain due to the absence of conclusive functional and genetic evidence.

NM_001281740.3(FHOD3):c.1111A>C (p.Lys371Gln)

Gene: FHOD3 (formin homology 2 domain containing 3; plus strand). Cytogenetic location: 18q12.2.
Variant type: single nucleotide variant.
Coding change: c.1111A>C on transcript NM_001281740.3 (MANE Select); coding-DNA position 1111, A replaced by C.
Protein change: p.Lys371Gln; replaces lysine 371 with glutamine.
Molecular consequence: missense variant.
Genome position (GRCh38, 1-based): chr18:36,625,664, A>C. VCF-style: chr18-36625664-A-C. GRCh37 (hg19) VCF-style: chr18-34205627-A-C.
Other names: c.1111A>C, p.Lys371Gln (NM_001281739.3, NM_025135.5); short protein forms K371Q.
Identifiers: ClinVar variation 4982215 (VCV004982215.1).